The following is an entry in ClinVar:

ClinVar aggregate classification (germline): Benign/Likely benign. Review status: criteria provided, multiple submitters, no conflicts (2 of 4 stars). 3 submissions from 3 submitters: Benign (1); Likely benign (2). Last evaluated 2025-01-03.

Conditions:
Lynch syndrome 5 (LYNCH5). Also called: Hereditary non-polyposis colorectal cancer, type 5; Colorectal cancer, hereditary nonpolyposis, type 5. Identifiers: Orphanet 144, MedGen C1833477, MONDO:0013710, OMIM 614350. Disease mechanism: loss of function.
Hereditary nonpolyposis colorectal neoplasms. Identifiers: MedGen C0009405, MeSH D003123.
Hereditary cancer-predisposing syndrome. Also called: Tumor predisposition; Hereditary neoplastic syndrome; Neoplastic Syndromes, Hereditary; Hereditary Cancer Syndrome. Identifiers: Orphanet 140162, MedGen C0027672, MeSH D009386, MONDO:0015356.

Submissions (3):

Myriad Genetics, Inc.
Classification: Benign for Lynch syndrome 5. Last evaluated: 2025-01-03. Review status: criteria provided, single submitter. Criteria: Myriad Autosomal Dominant, Autosomal Recessive and X-Linked Classification Criteria (2023). Collection method: clinical testing. Allele origin: unknown.
Comment: This variant is considered benign. This variant is a silent/synonymous amino acid change and it is not expected to impact splicing.

Ambry Genetics
Classification: Likely benign for Hereditary cancer-predisposing syndrome. Last evaluated: 2022-10-09. Review status: criteria provided, single submitter. Criteria: Ambry Variant Classification Scheme 2023. Collection method: clinical testing. Allele origin: germline.

Labcorp Genetics (formerly Invitae), Labcorp
Classification: Likely benign for Hereditary nonpolyposis colorectal neoplasms. Last evaluated: 2020-09-24. Review status: criteria provided, single submitter. Criteria: Invitae Variant Classification Sherloc (09022015). Collection method: clinical testing. Allele origin: germline.

NM_000179.3(MSH6):c.2853C>T (p.Leu951=)

Gene: MSH6 (mutS homolog 6; plus strand). Cytogenetic location: 2p16.3.
Variant type: single nucleotide variant.
Coding change: c.2853C>T on transcript NM_000179.3 (MANE Select); coding-DNA position 2853, C replaced by T.
Protein change: p.Leu951=; no amino-acid change (leucine 951 retained).
Molecular consequence: synonymous variant.
Genome position (GRCh38, 1-based): chr2:47,800,836, C>T. VCF-style: chr2-47800836-C-T. GRCh37 (hg19) VCF-style: chr2-48027975-C-T.
Other names: c.2463C>T, p.Leu821= (NM_001281492.2); c.1947C>T, p.Leu649= (NM_001281493.2, NM_001281494.2).
Identifiers: ClinVar variation 748559 (VCV000748559.11), dbSNP rs876658525, ClinGen allele CA426121947.